The following is an entry in ClinVar:

NM_153766.3(KCNJ1):c.302C>T (p.Pro101Leu)

Gene: KCNJ1 (potassium inwardly rectifying channel subfamily J member 1; minus strand). Cytogenetic location: 11q24.3.
Variant type: single nucleotide variant.
Coding change: c.302C>T on transcript NM_153766.3 (MANE Select); coding-DNA position 302, C replaced by T.
Protein change: p.Pro101Leu; replaces proline 101 with leucine.
Molecular consequence: missense variant.
Genome position (GRCh38, 1-based): chr11:128,839,942, G>A on the plus strand (C>T on the coding strand, the complement: KCNJ1 is on the minus strand). VCF-style: chr11-128839942-G-A. GRCh37 (hg19) VCF-style: chr11-128709837-G-A.
Other names: c.359C>T, p.Pro120Leu (NM_000220.6); c.302C>T, p.Pro101Leu (NM_153764.3, NM_153767.4); c.353C>T, p.Pro118Leu (NM_153765.3); c.302C>T (NM_153766.2); short protein forms P101L, P118L, P120L.
Identifiers: ClinVar variation 1806147 (VCV001806147.2), dbSNP rs868669097, ClinGen allele CA230628822.

ClinVar aggregate classification (germline): Uncertain significance (1 of 4 stars; one submission).

Conditions:
Bartter disease type 2. Also called: Bartter syndrome, type 2, antenatal; HYPERPROSTAGLANDIN E SYNDROME 2; HYPOKALEMIC ALKALOSIS WITH HYPERCALCIURIA 2, ANTENATAL. Identifiers: Orphanet 112, Orphanet 620220, MedGen C1855849, MONDO:0009424, OMIM 241200.

Allele frequency attached by ClinVar (database versions not stated): gnomAD exomes below 0.00001.
gnomAD v4.1: 1 of 1,613,924 alleles (0.000062%); highest among the groups gnomAD compares: South Asian, 0.0011%; no homozygotes.

Submission:

Victorian Clinical Genetics Services, Murdoch Childrens Research Institute
Classification: Uncertain significance for Bartter disease type 2. Last evaluated: 2024-10-10. Review status: criteria provided, single submitter. Criteria: ACMG Guidelines, 2015. Collection method: clinical testing. Allele origin: germline. Inheritance: Autosomal recessive inheritance. Affected: yes.
Comment: Based on the classification scheme VCGS_Germline_v1.3.5, this variant is classified as VUS-3B. Following criteria are met: 0102 - Loss of function is a known mechanism of disease in this gene and is associated with Bartter syndrome, type 2 (MIM#241200). (I) 0106 - This gene is associated with autosomal recessive disease. (I) 0200 - Variant is predicted to result in a missense amino acid change from proline to leucine. (I) 0251 - This variant is heterozygous. (I) 0304 - Variant is present in gnomAD (v4) <0.01 for a recessive condition (1 heterozygote, 0 homozygotes). (SP) 0309 - An alternative amino acid change at the same position has been observed in gnomAD (v4) (2 heterozygotes, 0 homozygotes). (I) 0501 - Missense variant consistently predicted to be damaging by multiple in silico tools or highly conserved with a major amino acid change. (SP) 0600 - Variant is located in the annotated Inward rectifier potassium channel transmembrane domain (DECIPHER). (I) 0705 - No comparable missense variants have previous evidence for pathogenicity. (I) 0807 - This variant has no previous evidence of pathogenicity. (I) 0905 - No published segregation evidence has been identified for this variant. (I) 1007 - No published functional evidence has been identified for this variant. (I) 1206 - This variant has been shown to be paternally inherited (Fulgent Genetics). (I) Legend: (SP) - Supporting pathogenic, (I) - Information, (SB) - Supporting benign